The following is an entry in ClinVar:

NM_001111.5(ADAR):c.3454G>A (p.Glu1152Lys)

Gene: ADAR (adenosine deaminase RNA specific; minus strand). Cytogenetic location: 1q21.3.
Variant type: single nucleotide variant.
Coding change: c.3454G>A on transcript NM_001111.5 (MANE Select); coding-DNA position 3454, G replaced by A.
Protein change: p.Glu1152Lys; replaces glutamic acid 1152 with lysine.
Molecular consequence: missense variant.
Genome position (GRCh38, 1-based): chr1:154,585,033, C>T on the plus strand (G>A on the coding strand, the complement: ADAR is on the minus strand). VCF-style: chr1-154585033-C-T. GRCh37 (hg19) VCF-style: chr1-154557509-C-T.
Other names: c.2569G>A, p.Glu857Lys (NM_001025107.3, NM_001193495.2, NM_001365046.1 and 2 more transcripts); c.3481G>A, p.Glu1161Lys (NM_001365045.1); c.2491G>A, p.Glu831Lys (NM_001365049.1); c.3376G>A, p.Glu1126Lys (NM_015840.4); c.3319G>A, p.Glu1107Lys (NM_015841.4); short protein forms E831K, E1126K, E1107K, E857K, E1152K, E1161K.
Identifiers: ClinVar variation 1977084 (VCV001977084.5), dbSNP rs1006116725, ClinGen allele CA30848700.

ClinVar aggregate classification (germline): Uncertain significance (1 of 4 stars; one submission).

Conditions:
Symmetrical dyschromatosis of extremities (DSH). Also called: RETICULATE ACROPIGMENTATION OF DOHI; SYMMETRIC DYSCHROMATOSIS OF THE EXTREMITIES; Dyschromatosis symmetrica hereditaria; DYSCHROMATOSIS SYMMETRICA HEREDITARIA 1. Identifiers: Orphanet 41, MedGen C0406775, MONDO:0007483, OMIM 127400.
Aicardi-Goutieres syndrome 6 (AGS6). Identifiers: Orphanet 51, MedGen C3539013, MONDO:0014007, OMIM 615010.

Allele frequency attached by ClinVar (database versions not stated): gnomAD exomes 0.00001.
gnomAD v4.1: 8 of 1,613,932 alleles (0.0005%); highest among the groups gnomAD compares: Non-Finnish European, 0.00059%; no homozygotes.

Submission:

Labcorp Genetics (formerly Invitae), Labcorp
Classification: Uncertain significance for Aicardi-Goutieres syndrome 6; Symmetrical dyschromatosis of extremities. Last evaluated: 2023-10-23. Review status: criteria provided, single submitter. Criteria: Invitae Variant Classification Sherloc (09022015). Collection method: clinical testing. Allele origin: germline.
Comment: This sequence change replaces glutamic acid, which is acidic and polar, with lysine, which is basic and polar, at codon 1152 of the ADAR protein (p.Glu1152Lys). This variant is not present in population databases (gnomAD no frequency). This variant has not been reported in the literature in individuals affected with ADAR-related conditions. ClinVar contains an entry for this variant (Variation ID: 1977084). Advanced modeling of protein sequence and biophysical properties (such as structural, functional, and spatial information, amino acid conservation, physicochemical variation, residue mobility, and thermodynamic stability) performed at Invitae indicates that this missense variant is not expected to disrupt ADAR protein function with a negative predictive value of 80%. In summary, the available evidence is currently insufficient to determine the role of this variant in disease. Therefore, it has been classified as a Variant of Uncertain Significance.